The following is an entry in ClinVar:

ClinVar aggregate classification (germline): Conflicting classifications of pathogenicity. Review status: criteria provided, conflicting classifications (1 of 4 stars). 3 submissions from 3 submitters: Uncertain significance (1); Likely benign (1). 1 of the submissions does not count toward it. Last evaluated 2025-09-25.

Conditions:
ACE-related disorder. Also called: ACE-related condition; ACE-related disorders.
Renal tubular dysgenesis. Also called: Renotubular dysgenesis. Identifiers: Orphanet 3033, MedGen C0266313, MONDO:0017609, HP:0008660.

Allele frequency attached by ClinVar (database versions not stated): gnomAD exomes 0.00009 and 0.00013; TOPMed 0.00011; gnomAD 0.00012; ESP Exome Variant Server 0.00015; ExAC 0.00018.

Submissions (3):

Labcorp Genetics (formerly Invitae), Labcorp
Classification: Likely benign. Last evaluated: 2025-09-25. Review status: criteria provided, single submitter. Criteria: Invitae Variant Classification Sherloc (09022015). Collection method: clinical testing. Allele origin: germline.

Illumina Laboratory Services, Illumina
Classification: Uncertain significance for Renal tubular dysgenesis of genetic origin. Last evaluated: 2018-01-13. Review status: criteria provided, single submitter. Criteria: ICSL Variant Classification Criteria 13 December 2019. Collection method: clinical testing. Allele origin: germline.

PreventionGenetics, part of Exact Sciences
Classification: Likely benign for ACE-related condition. Last evaluated: 2019-09-09. Review status: no assertion criteria provided. Collection method: clinical testing. Allele origin: germline. Not counted in ClinVar's aggregate classification.
Comment: This variant is classified as likely benign based on ACMG/AMP sequence variant interpretation guidelines (Richards et al. 2015 PMID: 25741868, with internal and published modifications).

NM_000789.4(ACE):c.349C>T (p.Leu117=)

Gene: ACE (angiotensin I converting enzyme; plus strand). Cytogenetic location: 17q23.3.
Variant type: single nucleotide variant.
Coding change: c.349C>T on transcript NM_000789.4 (MANE Select); coding-DNA position 349, C replaced by T.
Protein change: p.Leu117=; no amino-acid change (leucine 117 retained).
Molecular consequence: synonymous variant.
Genome position (GRCh38, 1-based): chr17:63,478,030, C>T. VCF-style: chr17-63478030-C-T. GRCh37 (hg19) VCF-style: chr17-61555391-C-T.
Identifiers: ClinVar variation 890952 (VCV000890952.14), dbSNP rs145692547, ClinGen allele CA8699025.